The following is an entry in ClinVar:

ClinVar aggregate classification (germline): Uncertain significance. Review status: criteria provided, multiple submitters, no conflicts (2 of 4 stars). 2 submissions from 2 submitters: Uncertain significance (2). Last evaluated 2024-03-07.

Allele frequency attached by ClinVar (database versions not stated): ExAC 0.00002; gnomAD 0.00002; gnomAD exomes 0.00002; TOPMed 0.00003.
gnomAD v4.1: 30 of 1,573,038 alleles (0.0019%); highest among the groups gnomAD compares: East Asian, 0.025%; no homozygotes.

Submissions (2):

Blueprint Genetics
Classification: Uncertain significance. Last evaluated: 2024-03-07. Review status: criteria provided, single submitter. Criteria: ACMG Guidelines, 2015. Collection method: clinical testing. Allele origin: germline.

Labcorp Genetics (formerly Invitae), Labcorp
Classification: Uncertain significance. Last evaluated: 2022-07-19. Review status: criteria provided, single submitter. Criteria: Invitae Variant Classification Sherloc (09022015). Collection method: clinical testing. Allele origin: germline.
Comment: This variant has not been reported in the literature in individuals affected with POC1B-related conditions. ClinVar contains an entry for this variant (Variation ID: 1497601). Algorithms developed to predict the effect of missense changes on protein structure and function are either unavailable or do not agree on the potential impact of this missense change (SIFT: "Tolerated"; PolyPhen-2: "Probably Damaging"; Align-GVGD: "Class C0"). In summary, the available evidence is currently insufficient to determine the role of this variant in disease. Therefore, it has been classified as a Variant of Uncertain Significance. The frequency data for this variant in the population databases is considered unreliable, as metrics indicate poor data quality at this position in the gnomAD database. This sequence change replaces aspartic acid, which is acidic and polar, with asparagine, which is neutral and polar, at codon 155 of the POC1B protein (p.Asp155Asn).

NM_172240.3(POC1B):c.463G>A (p.Asp155Asn)

Genes: POC1B (POC1 centriolar protein B; minus strand), POC1B-DUSP6 (POC1B-DUSP6 readthrough; minus strand). Cytogenetic location: 12q21.33.
Variant type: single nucleotide variant.
Coding change: c.463G>A on transcript NM_172240.3 (MANE Select); coding-DNA position 463, G replaced by A.
Protein change: p.Asp155Asn; replaces aspartic acid 155 with asparagine.
Molecular consequence: missense variant. On other transcripts: non-coding transcript variant (2).
Genome position (GRCh38, 1-based): chr12:89,472,265, C>T on the plus strand (G>A on the coding strand, the complement: POC1B is on the minus strand). VCF-style: chr12-89472265-C-T. GRCh37 (hg19) VCF-style: chr12-89866042-C-T.
Other names: c.337G>A, p.Asp113Asn (NM_001199777.2); short protein forms D113N, D155N.
Identifiers: ClinVar variation 1497601 (VCV001497601.6), dbSNP rs766685723, ClinGen allele CA6714496.